The following is an entry in ClinVar:

ClinVar aggregate classification (germline): Uncertain significance. Review status: criteria provided, multiple submitters, no conflicts (2 of 4 stars). 2 submissions from 2 submitters: Uncertain significance (2). Last evaluated 2022-05-29.

Conditions:
Pyruvate carboxylase deficiency. Also called: LEIGH NECROTIZING ENCEPHALOPATHY DUE TO PYRUVATE CARBOXYLASE DEFICIENCY; LEIGH SYNDROME DUE TO PYRUVATE CARBOXYLASE DEFICIENCY; PC DEFICIENCY; ATAXIA WITH LACTIC ACIDOSIS II; Pyruvate Carboxylase Deficiency Disease. Identifiers: Orphanet 3008, MedGen C0034341, MONDO:0009949, OMIM 266150.

Allele frequency attached by ClinVar (database versions not stated): gnomAD exomes 0.00001 and 0.00002; TOPMed 0.00001; gnomAD 0.00002.
gnomAD v4.1: 23 of 1,611,484 alleles (0.0014%); highest among the groups gnomAD compares: Admixed American, 0.0033%; no homozygotes.

Submissions (2):

Labcorp Genetics (formerly Invitae), Labcorp
Classification: Uncertain significance for Pyruvate carboxylase deficiency. Last evaluated: 2022-05-29. Review status: criteria provided, single submitter. Criteria: Invitae Variant Classification Sherloc (09022015). Collection method: clinical testing. Allele origin: germline.
Comment: This sequence change replaces alanine, which is neutral and non-polar, with threonine, which is neutral and polar, at codon 384 of the PC protein (p.Ala384Thr). This variant is present in population databases (no rsID available, gnomAD 0.006%). This variant has not been reported in the literature in individuals affected with PC-related conditions. ClinVar contains an entry for this variant (Variation ID: 645555). Algorithms developed to predict the effect of missense changes on protein structure and function are either unavailable or do not agree on the potential impact of this missense change (SIFT: "Deleterious"; PolyPhen-2: "Benign"; Align-GVGD: "Class C0"). In summary, the available evidence is currently insufficient to determine the role of this variant in disease. Therefore, it has been classified as a Variant of Uncertain Significance.

Fulgent Genetics
Classification: Uncertain significance for Pyruvate carboxylase deficiency. Last evaluated: 2021-07-21. Review status: criteria provided, single submitter. Criteria: ACMG Guidelines, 2015. Collection method: clinical testing. Allele origin: unknown.

NM_001040716.2(PC):c.1150G>A (p.Ala384Thr)

Gene: PC (pyruvate carboxylase; minus strand). Cytogenetic location: 11q13.2.
Variant type: single nucleotide variant.
Coding change: c.1150G>A on transcript NM_001040716.2 (MANE Select); coding-DNA position 1150, G replaced by A.
Protein change: p.Ala384Thr; replaces alanine 384 with threonine.
Molecular consequence: missense variant.
Genome position (GRCh38, 1-based): chr11:66,866,222, C>T on the plus strand (G>A on the coding strand, the complement: PC is on the minus strand). VCF-style: chr11-66866222-C-T. GRCh37 (hg19) VCF-style: chr11-66633693-C-T.
Other names: c.1150G>A, p.Ala384Thr (NM_000920.4, NM_022172.3); short protein forms A384T.
Identifiers: ClinVar variation 645555 (VCV000645555.8), dbSNP rs1464614105, ClinGen allele CA381499449.